The following is an entry in ClinVar:

NM_025132.4(WDR19):c.*7C>T

Gene: WDR19 (WD repeat domain 19; plus strand). Cytogenetic location: 4p14.
Variant type: single nucleotide variant.
Coding change: c.*7C>T on transcript NM_025132.4 (MANE Select); 7 bases downstream of the stop codon, C replaced by T.
Molecular consequence: 3 prime UTR variant.
Genome position (GRCh38, 1-based): chr4:39,278,657, C>T. VCF-style: chr4-39278657-C-T. GRCh37 (hg19) VCF-style: chr4-39280277-C-T.
Other names: c.*7C>T (NM_001317924.2).
Identifiers: ClinVar variation 4990020 (VCV004990020.1).
Genomic context (GRCh38, chr4:39,278,657, plus strand): 5'-CTGAAAAAGATTTCAGACTGTACCCAGTACCTGCGAACGGAGGAGGAACTGTGATTGGCA[C>T]GTGCAGGTGAGTGGCAGAGCGCCCACGCACCTTCTGGGCGCAAGGGCCCACAGCGTGCAC-3'

ClinVar aggregate classification (germline): Likely benign (1 of 4 stars; one submission).

Conditions:
WDR19-related disorder. Also called: WDR19-related disorders; WDR19-related condition. Identifiers: MedGen CN380161.

gnomAD v4.1: 120 of 1,600,898 alleles (0.0075%); highest among the groups gnomAD compares: Admixed American, 0.02%; 2 homozygotes.

Submission:

PreventionGenetics, part of Exact Sciences
Classification: Likely benign for WDR19-related condition. Last evaluated: 2025-11-06. Review status: criteria provided, single submitter. Criteria: ACMG Guidelines, 2015. Collection method: clinical testing. Allele origin: germline.
Comment: This variant is classified as likely benign based on ACMG/AMP sequence variant interpretation guidelines (Richards et al. 2015 PMID: 25741868, with internal and published modifications).